The following is an entry in ClinVar:

NM_001972.4(ELANE):c.265C>T (p.Leu89Phe)

Gene: ELANE (elastase, neutrophil expressed; plus strand). Cytogenetic location: 19p13.3.
Variant type: single nucleotide variant.
Coding change: c.265C>T on transcript NM_001972.4 (MANE Select); coding-DNA position 265, C replaced by T.
Protein change: p.Leu89Phe; replaces leucine 89 with phenylalanine.
Molecular consequence: missense variant.
Genome position (GRCh38, 1-based): chr19:853,302, C>T. VCF-style: chr19-853302-C-T. GRCh37 (hg19) VCF-style: chr19-853302-C-T.
Other names: p.Leu89Phe; c.265C>T (LRG_57t1); short protein forms L89F.
Identifiers: ClinVar variation 426440 (VCV000426440.12), dbSNP rs1085307624, ClinGen allele CA402915897.

ClinVar aggregate classification (germline): Conflicting classifications of pathogenicity. Review status: criteria provided, conflicting classifications (1 of 4 stars). 4 submissions from 4 submitters: Uncertain significance (3); Likely benign (1). Last evaluated 2024-11-28.

Conditions:
Neutropenia, severe congenital, 1, autosomal dominant. Identifiers: MedGen C1859966, MONDO:0042490, OMIM 202700.
Cyclical neutropenia. Also called: Cyclic hematopoiesis; Cyclic Neutropenia. Identifiers: Orphanet 2686, MedGen C0221023, MONDO:0008090, OMIM 162800, HP:0040289. Disease mechanism: loss of function.
Inborn genetic diseases. Identifiers: MedGen C0950123, MeSH D030342.

Allele frequency attached by ClinVar (database versions not stated): TOPMed 0.00005; gnomAD 0.00009 and 0.00010.
gnomAD v4.1: 33 of 1,610,730 alleles (0.002%); highest among the groups gnomAD compares: Admixed American, 0.037%; no homozygotes.

Submissions (4):

Ambry Genetics
Classification: Likely benign for Inborn genetic diseases. Last evaluated: 2024-11-28. Review status: criteria provided, single submitter. Criteria: Ambry Variant Classification Scheme 2023. Collection method: clinical testing. Allele origin: germline.

Labcorp Genetics (formerly Invitae), Labcorp
Classification: Uncertain significance for Neutropenia, severe congenital, 1, autosomal dominant; Cyclical neutropenia. Last evaluated: 2024-10-31. Review status: criteria provided, single submitter. Criteria: Invitae Variant Classification Sherloc (09022015). Collection method: clinical testing. Allele origin: germline.
Comment: This sequence change replaces leucine, which is neutral and non-polar, with phenylalanine, which is neutral and non-polar, at codon 89 of the ELANE protein (p.Leu89Phe). This variant is present in population databases (no rsID available, gnomAD 0.03%). This variant has not been reported in the literature in individuals affected with ELANE-related conditions. ClinVar contains an entry for this variant (Variation ID: 426440). Invitae Evidence Modeling of protein sequence and biophysical properties (such as structural, functional, and spatial information, amino acid conservation, physicochemical variation, residue mobility, and thermodynamic stability) has been performed for this missense variant. However, the output from this modeling did not meet the statistical confidence thresholds required to predict the impact of this variant on ELANE protein function. In summary, the available evidence is currently insufficient to determine the role of this variant in disease. Therefore, it has been classified as a Variant of Uncertain Significance.

Mayo Clinic Laboratories, Mayo Clinic
Classification: Uncertain significance. Last evaluated: 2021-08-17. Review status: criteria provided, single submitter. Criteria: ACMG Guidelines, 2015. Collection method: clinical testing. Allele origin: germline.

GeneDx
Classification: Uncertain significance. Last evaluated: 2017-04-17. Review status: criteria provided, single submitter. Criteria: GeneDx Variant Classification (06012015). Collection method: clinical testing. Allele origin: germline. Affected: yes.
Comment: The L89F variant has not been published as a pathogenic variant, nor has it been reported as a benign variant to our knowledge. The variant is not observed in large population cohorts (Lek et al., 2016; 1000 Genomes Consortium et al., 2015; Exome Variant Server). L89F is a conservative amino acid substitution, which is not likely to impact secondary protein structure as these residues share similar properties. However, this substitution occurs at a position within the peptidase S1 domain that is conserved across species, and in silico analysis predicts this variant is probably damaging to the protein structure/function. Missense variants in nearby residues (L84P, G85R/E) have been reported in the Human Gene Mutation Database in association with congenital neutropenia (Stenson et al., 2014), supporting the functional importance of this region of the protein. In summary, based on the currently available information, it is unclear whether this variant is a pathogenic variant or a rare benign variant.